The following is an entry in ClinVar:

ClinVar aggregate classification (germline): Uncertain significance (1 of 4 stars; one submission).

Conditions:
PRPH2-related disorder. Also called: PRPH2-related condition; PRPH2-related disorders. Identifiers: MedGen CN239395.

Submission:

Labcorp Genetics (formerly Invitae), Labcorp
Classification: Uncertain significance for PRPH2-related disorder. Last evaluated: 2021-10-27. Review status: criteria provided, single submitter. Criteria: Invitae Variant Classification Sherloc (09022015). Collection method: clinical testing. Allele origin: germline.
Comment: In summary, the available evidence is currently insufficient to determine the role of this variant in disease. Therefore, it has been classified as a Variant of Uncertain Significance. Algorithms developed to predict the effect of missense changes on protein structure and function are either unavailable or do not agree on the potential impact of this missense change (SIFT: "Deleterious"; PolyPhen-2: "Benign"; Align-GVGD: "Class C0"). This variant has not been reported in the literature in individuals affected with PRPH2-related conditions. This variant is not present in population databases (gnomAD no frequency). This sequence change replaces cysteine, a(n) neutral and slightly polar amino acid, with tyrosine, a(n) neutral and polar amino acid, at codon 105 of the PRPH2 protein (p.Cys105Tyr).

NM_000322.5(PRPH2):c.314G>A (p.Cys105Tyr)

Gene: PRPH2 (peripherin 2; minus strand). Cytogenetic location: 6p21.1.
Variant type: single nucleotide variant.
Coding change: c.314G>A on transcript NM_000322.5 (MANE Select); coding-DNA position 314, G replaced by A.
Protein change: p.Cys105Tyr; replaces cysteine 105 with tyrosine.
Molecular consequence: missense variant.
Genome position (GRCh38, 1-based): chr6:42,722,021, C>T on the plus strand (G>A on the coding strand, the complement: PRPH2 is on the minus strand). VCF-style: chr6-42722021-C-T. GRCh37 (hg19) VCF-style: chr6-42689759-C-T.
Other names: short protein forms C105Y.
Identifiers: ClinVar variation 1448637 (VCV001448637.6), dbSNP rs2152010992, ClinGen allele CA364137869.